The following is an entry in ClinVar:

NM_001854.4(COL11A1):c.4141-8T>A

Gene: COL11A1 (collagen type XI alpha 1 chain; minus strand). Cytogenetic location: 1p21.1.
Variant type: single nucleotide variant.
Coding change: c.4141-8T>A on transcript NM_001854.4 (MANE Select); 8 bases into the intron before coding-DNA position 4141, T replaced by A.
Molecular consequence: intron variant.
Genome position (GRCh38, 1-based): chr1:102,898,781, A>T on the plus strand (T>A on the coding strand, the complement: COL11A1 is on the minus strand). VCF-style: chr1-102898781-A-T. GRCh37 (hg19) VCF-style: chr1-103364337-A-T.
Other names: c.4024-8T>A (NM_001190709.2); c.4177-8T>A (NM_080629.3); c.3793-8T>A (NM_080630.4).
Identifiers: ClinVar variation 391750 (VCV000391750.10), dbSNP rs373760183, ClinGen allele CA973647.

ClinVar aggregate classification (germline): Likely benign. Review status: criteria provided, multiple submitters, no conflicts (2 of 4 stars). 2 submissions from 2 submitters: Likely benign (2). Last evaluated 2025-03-17.

Allele frequency attached by ClinVar (database versions not stated): gnomAD exomes 0.00001; ExAC 0.00002; gnomAD 0.00003 and 0.00004; TOPMed 0.00003; ESP Exome Variant Server 0.00008.
gnomAD v4.1: 20 of 1,610,284 alleles (0.0012%); highest among the groups gnomAD compares: Non-Finnish European, 0.0017%; no homozygotes.

Submissions (2):

Labcorp Genetics (formerly Invitae), Labcorp
Classification: Likely benign. Last evaluated: 2025-03-17. Review status: criteria provided, single submitter. Criteria: Invitae Variant Classification Sherloc (09022015). Collection method: clinical testing. Allele origin: germline.

GeneDx
Classification: Likely benign. Last evaluated: 2016-12-14. Review status: criteria provided, single submitter. Criteria: GeneDx Variant Classification (06012015). Collection method: clinical testing. Allele origin: germline. Affected: yes.
Comment: This variant is considered likely benign or benign based on one or more of the following criteria: it is a conservative change, it occurs at a poorly conserved position in the protein, it is predicted to be benign by multiple in silico algorithms, and/or has population frequency not consistent with disease.